The following is an entry in ClinVar:

NM_006767.4(LZTR1):c.1375C>A (p.His459Asn)

Gene: LZTR1 (leucine zipper like post translational regulator 1; plus strand). Cytogenetic location: 22q11.21.
Variant type: single nucleotide variant.
Coding change: c.1375C>A on transcript NM_006767.4 (MANE Select); coding-DNA position 1375, C replaced by A.
Protein change: p.His459Asn; replaces histidine 459 with asparagine.
Molecular consequence: missense variant.
Genome position (GRCh38, 1-based): chr22:20,993,945, C>A. VCF-style: chr22-20993945-C-A. GRCh37 (hg19) VCF-style: chr22-21348234-C-A.
Other names: short protein forms H459N.
Identifiers: ClinVar variation 3238069 (VCV003238069.1), dbSNP rs1162619671.
Genomic context (GRCh38, chr22:20,993,945, plus strand): 5'-GGTCCTGTGCCCTCTGCCAGTGCATCATTCTTTGTGCAGAAGGAGGAGTGCGTGCAGGGC[C>A]ACGTAGCCATTGTCACAGCGCGGAGCCGCTGGCTTCGCAGGAAGATCACGCAGGCGCGGG-3'
Protein context (NP_006758.2, residues 449-469): LGEKEECVQG[His459Asn]VAIVTARSRW

ClinVar aggregate classification (germline): Uncertain significance (1 of 4 stars; one submission).

Conditions:
Hereditary cancer-predisposing syndrome. Also called: Neoplastic Syndromes, Hereditary; Tumor predisposition; Hereditary neoplastic syndrome; Hereditary Cancer Syndrome. Identifiers: Orphanet 140162, MedGen C0027672, MeSH D009386, MONDO:0015356.
Cardiovascular phenotype. Identifiers: MedGen CN230736.

Submission:

Ambry Genetics
Classification: Uncertain significance for Cardiovascular phenotype; Hereditary cancer-predisposing syndrome. Last evaluated: 2024-01-17. Review status: criteria provided, single submitter. Criteria: Ambry Variant Classification Scheme 2023. Collection method: clinical testing. Allele origin: germline.
Comment: The p.H459N variant (also known as c.1375C>A), located in coding exon 13 of the LZTR1 gene, results from a C to A substitution at nucleotide position 1375. The histidine at codon 459 is replaced by asparagine, an amino acid with similar properties. This amino acid position is conserved. In addition, the in silico prediction for this alteration is inconclusive. Based on the available evidence, the clinical significance of this alteration remains unclear.